The following is an entry in ClinVar:

NM_017617.5(NOTCH1):c.3170del (p.Gln1057fs)

Gene: NOTCH1 (notch receptor 1; minus strand). Cytogenetic location: 9q34.3.
Variant type: Deletion.
Coding change: c.3170del on transcript NM_017617.5 (MANE Select); coding-DNA position 3170, one base deleted (A; older notation c.3170delA).
Protein change: p.Gln1057fs; shifts the reading frame from glutamine 1057.
Molecular consequence: frameshift variant.
Genome position (GRCh38, 1-based): chr9:136,508,871, T deleted on the plus strand (A on the coding strand, the reverse complement: NOTCH1 is on the minus strand). VCF-style (leftmost placement, unchanged base first): chr9-136508870-CT-C. GRCh37 (hg19) VCF-style: chr9-139403322-CT-C.
Other names: short protein forms Q1057fs.
Identifiers: ClinVar variation 3051738 (VCV003051738.2), dbSNP rs2540444114, ClinGen allele CA2740092943.

ClinVar aggregate classification (germline): Pathogenic (0 of 4 stars; one submission).

Conditions:
NOTCH1-related disorder. Also called: NOTCH1-related condition; NOTCH1-related disorders.

Submission:

PreventionGenetics, part of Exact Sciences
Classification: Pathogenic for NOTCH1-related condition. Last evaluated: 2023-11-29. Review status: no assertion criteria provided. Collection method: clinical testing. Allele origin: germline.
Comment: The NOTCH1 c.3170delA variant is predicted to result in a frameshift and premature protein termination (p.Gln1057Argfs*122). To our knowledge, this variant has not been reported in the literature or in a large population database, indicating this variant is rare. Frameshift variants in NOTCH1 are expected to be pathogenic. This variant is interpreted as pathogenic.